The following is an entry in ClinVar:

NM_005188.4(CBL):c.2023T>C (p.Ser675Pro)

Gene: CBL (Cbl proto-oncogene; plus strand). Cytogenetic location: 11q23.3.
Variant type: single nucleotide variant.
Coding change: c.2023T>C on transcript NM_005188.4 (MANE Select); coding-DNA position 2023, T replaced by C.
Protein change: p.Ser675Pro; replaces serine 675 with proline.
Molecular consequence: missense variant.
Genome position (GRCh38, 1-based): chr11:119,287,933, T>C. VCF-style: chr11-119287933-T-C. GRCh37 (hg19) VCF-style: chr11-119158643-T-C.
Other names: short protein forms S675P.
Identifiers: ClinVar variation 4868226 (VCV004868226.1).

ClinVar aggregate classification (germline): Uncertain significance (1 of 4 stars; one submission).

Conditions:
Cardiovascular phenotype. Identifiers: MedGen CN230736.

Submission:

Ambry Genetics
Classification: Uncertain significance for Cardiovascular phenotype. Last evaluated: 2026-04-13. Review status: criteria provided, single submitter. Criteria: Ambry Variant Classification Scheme 2023. Collection method: clinical testing. Allele origin: germline.
Comment: The p.S675P variant (also known as c.2023T>C), located in coding exon 12 of the CBL gene, results from a T to C substitution at nucleotide position 2023. The serine at codon 675 is replaced by proline, an amino acid with similar properties. This amino acid position is conserved. In addition, the in silico prediction for this alteration is inconclusive. Based on the available evidence, the clinical significance of this variant remains unclear.